The following is an entry in ClinVar:

NM_000540.3(RYR1):c.11273A>G (p.Glu3758Gly)

Gene: RYR1 (ryanodine receptor 1; plus strand). Cytogenetic location: 19q13.2.
Variant type: single nucleotide variant.
Coding change: c.11273A>G on transcript NM_000540.3 (MANE Select); coding-DNA position 11273, A replaced by G.
Protein change: p.Glu3758Gly; replaces glutamic acid 3758 with glycine.
Molecular consequence: missense variant.
Genome position (GRCh38, 1-based): chr19:38,534,733, A>G. VCF-style: chr19-38534733-A-G. GRCh37 (hg19) VCF-style: chr19-39025373-A-G.
Other names: c.11258A>G, p.Glu3753Gly (NM_001042723.2); short protein forms E3753G, E3758G.
Identifiers: ClinVar variation 3069494 (VCV003069494.1), dbSNP rs954565339, ClinGen allele CA308085566.

ClinVar aggregate classification (germline): Uncertain significance (1 of 4 stars; one submission).

Conditions:
Malignant hyperthermia, susceptibility to, 1 (MHS1). Also called: RYR1-Related Malignant Hyperthermia Susceptibility; Anesthesia related hyperthermia; Malignant hyperpyrexia; Fulminating hyperpyrexia; Pharmacogenic myopathy; Malignant hyperthermia suceptibility 1. Identifiers: Orphanet 423, MedGen C2930980, MONDO:0007783, OMIM 145600.

Allele frequency attached by ClinVar (database versions not stated): gnomAD exomes below 0.00001.
gnomAD v4.1: 1 of 1,613,956 alleles (0.000062%); highest among the groups gnomAD compares: Non-Finnish European, 0.000085%; no homozygotes.

Submission:

All of Us Research Program, National Institutes of Health
Classification: Uncertain significance for Malignant hyperthermia, susceptibility to, 1. Last evaluated: 2023-02-24. Review status: criteria provided, single submitter. Criteria: ACMG Guidelines, 2015. Collection method: clinical testing. Allele origin: germline. Inheritance: Autosomal dominant inheritance. Observed: 1 variant allele, 1 heterozygote.
Comment: This missense variant replaces glutamic acid with glycine at codon 3758 of the RYR1 protein. Computational prediction suggests that this variant may have deleterious impact on protein structure and function (internally defined REVEL score threshold >= 0.7, PMID: 27666373). To our knowledge, functional studies have not been reported for this variant. This variant has not been reported in individuals affected with RYR1-related disorders in the literature. This variant has not been identified in the general population by the Genome Aggregation Database (gnomAD). The available evidence is insufficient to determine the role of this variant in disease conclusively. Therefore, this variant is classified as a Variant of Uncertain Significance.

This study involves interpretation of variants in research participants for the purpose of population health screening. Participant phenotype was not available at the time of variant classification. Additional details can be found in publication PMID: 35346344, PMCID: PMC8962531